The following is an entry in ClinVar:

NM_005555.4(KRT6B):c.1490A>G (p.Tyr497Cys)

Gene: KRT6B (keratin 6B; minus strand). Cytogenetic location: 12q13.13.
Variant type: single nucleotide variant.
Coding change: c.1490A>G on transcript NM_005555.4 (MANE Select); coding-DNA position 1490, A replaced by G.
Protein change: p.Tyr497Cys; replaces tyrosine 497 with cysteine.
Molecular consequence: missense variant.
Genome position (GRCh38, 1-based): chr12:52,447,395, T>C on the plus strand (A>G on the coding strand, the complement: KRT6B is on the minus strand). VCF-style: chr12-52447395-T-C. GRCh37 (hg19) VCF-style: chr12-52841179-T-C.
Other names: c.1490A>G (NM_005555.3); short protein forms Y497C.
Identifiers: ClinVar variation 1603227 (VCV001603227.11), dbSNP rs61746354, ClinGen allele CA6580348.
Genomic context (GRCh38, chr12:52,447,395, plus strand): 5'-TAGGAGTAGCTGCTTCCTCCACCCAGGCCTAAGCCACTGCCGACACCGCTGGCACCGCCA[T>C]AGCCACTGGAGACGGTGGACTGCACTACAGCTGTGGTGGGGAGGGGACAAGGACACAAGA-3'
Protein context (NP_005546.2, residues 487-507): SVVQSTVSSG[Tyr497Cys]GGASGVGSGL

ClinVar aggregate classification (germline): Benign. Review status: criteria provided, multiple submitters, no conflicts (2 of 4 stars). 3 submissions from 3 submitters: Benign (2). 1 of the submissions does not count toward it. Last evaluated 2026-01-19.

Conditions:
KRT6B-related disorder. Also called: KRT6B-related condition.

Allele frequency attached by ClinVar (database versions not stated): gnomAD 0.03860 and 0.03900; gnomAD exomes 0.04962 and 0.04287; TOPMed 0.03471; ESP Exome Variant Server 0.03967; 1000 Genomes Project 0.02556; ExAC 0.04150; 1000 Genomes Project 30x 0.02420.
gnomAD v4.1: 78,392 of 1,613,936 alleles (4.9%); highest among the groups gnomAD compares: South Asian, 5.6%; 2,128 homozygotes.

Submissions (3):

Labcorp Genetics (formerly Invitae), Labcorp
Classification: Benign. Last evaluated: 2026-01-19. Review status: criteria provided, single submitter. Criteria: Invitae Variant Classification Sherloc (09022015). Collection method: clinical testing. Allele origin: germline.

Breakthrough Genomics
Classification: Benign. Review status: criteria provided, single submitter. Criteria: ACMG Guidelines, 2015. Collection method: not provided. Allele origin: germline. Inheritance: Autosomal dominant inheritance. Affected: yes.

PreventionGenetics, part of Exact Sciences
Classification: Benign for KRT6B-related condition. Last evaluated: 2024-01-19. Review status: no assertion criteria provided. Collection method: clinical testing. Allele origin: germline. Not counted in ClinVar's aggregate classification.
Comment: This variant is classified as benign based on ACMG/AMP sequence variant interpretation guidelines (Richards et al. 2015 PMID: 25741868, with internal and published modifications).